The following is an entry in ClinVar:

NM_004698.4(PRPF3):c.366G>C (p.Glu122Asp)

Gene: PRPF3 (pre-mRNA processing factor 3; plus strand). Cytogenetic location: 1q21.2.
Variant type: single nucleotide variant.
Coding change: c.366G>C on transcript NM_004698.4 (MANE Select); coding-DNA position 366, G replaced by C.
Protein change: p.Glu122Asp; replaces glutamic acid 122 with aspartic acid.
Molecular consequence: missense variant. On other transcripts: 5 prime UTR variant (1), non-coding transcript variant (4).
Genome position (GRCh38, 1-based): chr1:150,328,409, G>C. VCF-style: chr1-150328409-G-C. GRCh37 (hg19) VCF-style: chr1-150300868-G-C.
Other names: c.-40G>C (NM_001350529.1); short protein forms E122D.
Identifiers: ClinVar variation 1349167 (VCV001349167.8), dbSNP rs1553864412, ClinGen allele CA342288706.
Genomic context (GRCh38, chr1:150,328,409, plus strand): 5'-TAAAGAATCATCAGGAGTAAAGAAGCGACGAATACCCCGTTTTGAGGAGGTGGAAGAAGA[G>C]CCAGAGGTGATCCCTGGGCCTCCATCAGAGAGCCCTGGCATGCTGACTAAGCTCCAGGTT-3'
Protein context (NP_004689.1, residues 112-132): RIPRFEEVEE[Glu122Asp]PEVIPGPPSE

ClinVar aggregate classification (germline): Uncertain significance (1 of 4 stars; one submission).

Submission:

Labcorp Genetics (formerly Invitae), Labcorp
Classification: Uncertain significance. Last evaluated: 2021-04-27. Review status: criteria provided, single submitter. Criteria: Invitae Variant Classification Sherloc (09022015). Collection method: clinical testing. Allele origin: germline.
Comment: In summary, the available evidence is currently insufficient to determine the role of this variant in disease. Therefore, it has been classified as a Variant of Uncertain Significance. Algorithms developed to predict the effect of missense changes on protein structure and function (SIFT, PolyPhen-2, Align-GVGD) all suggest that this variant is likely to be tolerated, but these predictions have not been confirmed by published functional studies and their clinical significance is uncertain. This variant has not been reported in the literature in individuals with PRPF3-related conditions. This variant is not present in population databases (ExAC no frequency). This sequence change replaces glutamic acid with aspartic acid at codon 122 of the PRPF3 protein (p.Glu122Asp). The glutamic acid residue is moderately conserved and there is a small physicochemical difference between glutamic acid and aspartic acid.